The following is an entry in ClinVar:

NM_000022.4(ADA):c.301C>G (p.Arg101Gly)

Gene: ADA (adenosine deaminase; minus strand). Cytogenetic location: 20q13.12.
Variant type: single nucleotide variant.
Coding change: c.301C>G on transcript NM_000022.4 (MANE Select); coding-DNA position 301, C replaced by G.
Protein change: p.Arg101Gly; replaces arginine 101 with glycine.
Molecular consequence: missense variant. On other transcripts: non-coding transcript variant (1).
Genome position (GRCh38, 1-based): chr20:44,626,517, G>C on the plus strand (C>G on the coding strand, the complement: ADA is on the minus strand). VCF-style: chr20-44626517-G-C. GRCh37 (hg19) VCF-style: chr20-43255158-G-C.
Other names: c.12C>G, p.Cys4Trp (NM_001322050.2); c.301C>G, p.Arg101Gly (NM_001322051.2); short protein forms C4W, R101G.
Identifiers: ClinVar variation 971097 (VCV000971097.11), dbSNP rs121908717, ClinGen allele CA409121387.

ClinVar aggregate classification (germline): Likely pathogenic. Review status: criteria provided, multiple submitters, no conflicts (2 of 4 stars). 2 submissions from 2 submitters: Likely pathogenic (2). Last evaluated 2026-02-11.

Conditions:
Severe combined immunodeficiency, autosomal recessive, T cell-negative, B cell-negative, NK cell-negative, due to adenosine deaminase deficiency. Also called: ADA deficiency; Adenosine deaminase deficient severe combined immunodeficiency; Severe combined immunodeficiency due to ADA deficiency; Adenosine Deaminase Deficiency; SCID DUE TO ADA DEFICIENCY; SCID DUE TO ADA DEFICIENCY, EARLY-ONSET. Identifiers: Orphanet 277, MedGen C0392607, MONDO:0007064, OMIM 102700.

gnomAD v4.1: 2 of 1,614,126 alleles (0.00012%); highest among the groups gnomAD compares: Non-Finnish European, 0.00017%; no homozygotes.

Submissions (2):

Myriad Genetics, Inc.
Classification: Likely pathogenic for Severe combined immunodeficiency, autosomal recessive, T cell-negative, B cell-negative, NK cell-negative, due to adenosine deaminase deficiency. Last evaluated: 2026-02-11. Review status: criteria provided, single submitter. Criteria: Myriad Autosomal Dominant, Autosomal Recessive and X-Linked Classification Criteria (2023). Collection method: clinical testing. Allele origin: unknown.
Comment: NM_000022.2(ADA):c.301C>G(R101G) is a missense variant classified as likely pathogenic in the context of adenosine deaminase deficiency. R101G has been observed in a case with relevant disease (PMID: Canessa_2016_(Thesis)). Relevant functional assessments of this variant are not available in the literature. R101G has not been observed in referenced population frequency databases. In summary, NM_000022.2(ADA):c.301C>G(R101G) is a missense variant that has internal structural support for pathogenicity and has been observed more frequently in cases with the relevant disease than in healthy populations. Please note: this variant was assessed in the context of healthy population screening.

Labcorp Genetics (formerly Invitae), Labcorp
Classification: Likely pathogenic for Severe combined immunodeficiency, autosomal recessive, T cell-negative, B cell-negative, NK cell-negative, due to adenosine deaminase deficiency. Last evaluated: 2022-08-31. Review status: criteria provided, single submitter. Criteria: Invitae Variant Classification Sherloc (09022015). Collection method: clinical testing. Allele origin: germline.
Comment: In summary, the currently available evidence indicates that the variant is pathogenic, but additional data are needed to prove that conclusively. Therefore, this variant has been classified as Likely Pathogenic. This variant disrupts the p.Arg101 amino acid residue in ADA. Other variant(s) that disrupt this residue have been determined to be pathogenic (PMID: 1974554, 3182793, 9758612). This suggests that this residue is clinically significant, and that variants that disrupt this residue are likely to be disease-causing. Advanced modeling of protein sequence and biophysical properties (such as structural, functional, and spatial information, amino acid conservation, physicochemical variation, residue mobility, and thermodynamic stability) performed at Invitae indicates that this missense variant is expected to disrupt ADA protein function. ClinVar contains an entry for this variant (Variation ID: 971097). This variant has not been reported in the literature in individuals affected with ADA-related conditions. This variant is not present in population databases (gnomAD no frequency). This sequence change replaces arginine, which is basic and polar, with glycine, which is neutral and non-polar, at codon 101 of the ADA protein (p.Arg101Gly).

Literature cited by the submitters: PubMed 1974554 (cited by Labcorp Genetics (formerly Invitae), Labcorp); PubMed 3182793 (cited by Labcorp Genetics (formerly Invitae), Labcorp); PubMed 9758612 (cited by Labcorp Genetics (formerly Invitae), Labcorp).